The following is an entry in ClinVar:

ClinVar aggregate classification (germline): Uncertain significance (1 of 4 stars; one submission).

Allele frequency attached by ClinVar (database versions not stated): gnomAD exomes below 0.00001; gnomAD 0.00001; TOPMed 0.00002.
gnomAD v4.1: 2 of 1,594,884 alleles (0.00013%); highest among the groups gnomAD compares: Non-Finnish European, 0.00017%; no homozygotes.

Submission:

Labcorp Genetics (formerly Invitae), Labcorp
Classification: Uncertain significance. Last evaluated: 2023-11-27. Review status: criteria provided, single submitter. Criteria: Invitae Variant Classification Sherloc (09022015). Collection method: clinical testing. Allele origin: germline.
Comment: This sequence change replaces glutamine, which is neutral and polar, with lysine, which is basic and polar, at codon 1397 of the MYH14 protein (p.Gln1397Lys). This variant is not present in population databases (gnomAD no frequency). This variant has not been reported in the literature in individuals affected with MYH14-related conditions. Advanced modeling of protein sequence and biophysical properties (such as structural, functional, and spatial information, amino acid conservation, physicochemical variation, residue mobility, and thermodynamic stability) has been performed at Invitae for this missense variant, however the output from this modeling did not meet the statistical confidence thresholds required to predict the impact of this variant on MYH14 protein function. In summary, the available evidence is currently insufficient to determine the role of this variant in disease. Therefore, it has been classified as a Variant of Uncertain Significance.

NM_001145809.2(MYH14):c.4312C>A (p.Gln1438Lys)

Gene: MYH14 (myosin heavy chain 14; plus strand). Cytogenetic location: 19q13.33.
Variant type: single nucleotide variant.
Coding change: c.4312C>A on transcript NM_001145809.2 (MANE Select); coding-DNA position 4312, C replaced by A.
Protein change: p.Gln1438Lys; replaces glutamine 1438 with lysine.
Molecular consequence: missense variant.
Genome position (GRCh38, 1-based): chr19:50,281,615, C>A. VCF-style: chr19-50281615-C-A. GRCh37 (hg19) VCF-style: chr19-50784872-C-A.
Other names: c.4213C>A, p.Gln1405Lys (NM_001077186.2); c.4189C>A, p.Gln1397Lys (NM_024729.4); short protein forms Q1405K, Q1397K, Q1438K.
Identifiers: ClinVar variation 2896269 (VCV002896269.3), dbSNP rs1373772307, ClinGen allele CA406957970.